The following is an entry in ClinVar:

NM_000288.4(PEX7):c.294del (p.Ala100fs)

Gene: PEX7 (peroxisomal biogenesis factor 7; plus strand). Cytogenetic location: 6q23.3.
Variant type: Deletion.
Coding change: c.294del on transcript NM_000288.4 (MANE Select); coding-DNA position 294, one base deleted (C; older notation c.294delC).
Protein change: p.Ala100fs; shifts the reading frame from alanine 100.
Molecular consequence: frameshift variant.
Genome position (GRCh38, 1-based): chr6:136,826,424, C deleted; the last of 2 consecutive C bases (chr6:136,826,423-136,826,424); deleting either gives the same sequence. VCF-style (leftmost placement, unchanged base first): chr6-136826422-GC-G. GRCh37 (hg19) VCF-style: chr6-137147560-GC-G.
Other names: c.294delC (NM_000288.4); short protein forms A100fs.
Identifiers: ClinVar variation 1338760 (VCV001338760.2), dbSNP rs1456007349, ClinGen allele CA570744627.

ClinVar aggregate classification (germline): Pathogenic (0 of 4 stars; one submission).

Conditions:
Rhizomelic chondrodysplasia punctata type 1 (RCDP1). Also called: PEROXISOME BIOGENESIS DISORDER 9; PEX7-Related Rhizomelic Chondrodysplasia Punctata; CHONDRODYSTROPHIA CALCIFICANS PUNCTATA. Identifiers: Orphanet 177, Orphanet 309789, MedGen C1859133, MONDO:0008972, OMIM 215100. Disease mechanism: loss of function.

Submission:

Institute of Medical Genetics and Genomics, Sir Ganga Ram Hospital
Classification: Pathogenic for Rhizomelic chondrodysplasia punctata type 1. Last evaluated: 2022-01-30. Review status: no assertion criteria provided. Collection method: clinical testing. Allele origin: germline. Inheritance: Autosomal recessive inheritance. Affected: yes. Observed: 1 homozygote.
Comment: The homozygous frameshift deletion variant c.294delC (p.A100Lfs*80) has an allele frequency-0.0004% n gnomAD (aggregated) database. In-silico bioinformatic software predict this variant by mutation taster as Disease causing. Rhizomelic Chondrodysplasia punctate type 1 is an autosomal recessive disorder. Based on the phenotypic observation, we classify this variant as pathogenic.